The following is an entry in ClinVar:

NM_201253.3(CRB1):c.3461G>A (p.Cys1154Tyr)

Gene: CRB1 (crumbs cell polarity complex component 1; plus strand). Cytogenetic location: 1q31.3.
Variant type: single nucleotide variant.
Coding change: c.3461G>A on transcript NM_201253.3 (MANE Select); coding-DNA position 3461, G replaced by A.
Protein change: p.Cys1154Tyr; replaces cysteine 1154 with tyrosine.
Molecular consequence: missense variant. On other transcripts: non-coding transcript variant (2), intron variant (1).
Genome position (GRCh38, 1-based): chr1:197,435,324, G>A. VCF-style: chr1-197435324-G-A. GRCh37 (hg19) VCF-style: chr1-197404454-G-A.
Other names: c.3125G>A, p.Cys1042Tyr (NM_001193640.2); c.3389G>A, p.Cys1130Tyr (NM_001257965.2); c.2129-276G>A (NM_001257966.2); short protein forms C1042Y, C1130Y, C1154Y.
Identifiers: ClinVar variation 3896155 (VCV003896155.3).

ClinVar aggregate classification (germline): Conflicting classifications of pathogenicity. Review status: criteria provided, conflicting classifications (1 of 4 stars). 2 submissions from 2 submitters: Likely pathogenic (1); Uncertain significance (1). Last evaluated 2026-03-30.

Conditions:
Retinitis pigmentosa 12 (RP12). Also called: RP WITH OR WITHOUT PRESERVED PARAARTERIOLE RETINAL PIGMENT EPITHELIUM; RETINITIS PIGMENTOSA WITH OR WITHOUT PARAARTERIOLAR PRESERVATION OF RETINAL PIGMENT EPITHELIUM; RP WITH OR WITHOUT PPRPE. Identifiers: Orphanet 791, MedGen C1838647, MONDO:0010818, OMIM 600105.

Submissions (2):

Molecular Genetics Center, Sichuan Provincial People's Hospital
Classification: Likely pathogenic for Retinitis pigmentosa 12. Last evaluated: 2026-03-30. Review status: criteria provided, single submitter. Criteria: ACMG Guidelines, 2015. Collection method: clinical testing. Allele origin: germline. Inheritance: Autosomal recessive inheritance. Affected: yes. Observed: 1 variant allele, 1 compound heterozygote.
Comment: This missense variant is absent from global healthy population databases and has been previously reported in a compound heterozygous state in a patient with retinopathy (PMID: 33342761). One variant at the Cys1154 residue has been reported as associated with disease in ClinVar (c.3460T>A p.Cys1154Ser. Variation ID: VCV002202913.4). Additionally, in silico analysis using REVEL predicts the variant to be deleterious to protein function (0.95).

Women's Health and Genetics/Laboratory Corporation of America, LabCorp
Classification: Uncertain significance. Last evaluated: 2025-04-21. Review status: criteria provided, single submitter. Criteria: LabCorp Variant Classification Summary - May 2015. Collection method: clinical testing. Allele origin: germline.
Comment: Variant summary: CRB1 c.3461G>A (p.Cys1154Tyr) results in a non-conservative amino acid change located in the EGF-like domain (IPR000742) of the encoded protein sequence. Five of five in-silico tools predict a damaging effect of the variant on protein function. The variant was absent in 250336 control chromosomes. c.3461G>A has been observed in at-least one individual affected with retinopathy (wang_2021). These data do not allow any conclusion about variant significance. Additionally, one variant at the Cys1154 residue has been reported as associated with disease in ClinVar (c.3460T>A p.Cys1154Ser. Variation ID: 2202913). To our knowledge, no experimental evidence demonstrating an impact on protein function has been reported. The following publication has been ascertained in the context of this evaluation (PMID: 33342761). No submitters have cited clinical-significance assessments for this variant to ClinVar. Based on the evidence outlined above, the variant was classified as VUS-possibly pathogenic.

Literature cited by the submitters: PubMed 33342761 (cited by Molecular Genetics Center, Sichuan Provincial People's Hospital and Women's Health and Genetics/Laboratory Corporation of America, LabCorp).